The following is an entry in ClinVar:

ClinVar aggregate classification (germline): Uncertain significance. Review status: criteria provided, multiple submitters, no conflicts (2 of 4 stars). 2 submissions from 2 submitters: Uncertain significance (2). Last evaluated 2023-08-22.

Conditions:
Angelman syndrome (AS). Also called: HAPPY PUPPET SYNDROME. Identifiers: Orphanet 72, MedGen C0162635, MONDO:0007113, OMIM 105830. Disease mechanism: loss of function. Inheritance: AS is caused by disruption of maternally imprinted UBE3A located within the 15q11.2-q13 Angelman syndrome/Prader-Willi syndrome (AS/PWS) region., imprinting disorder.

Allele frequency attached by ClinVar (database versions not stated): gnomAD exomes below 0.00001; TOPMed 0.00001.
gnomAD v4.1: 3 of 1,613,936 alleles (0.00019%); highest among the groups gnomAD compares: Non-Finnish European, 0.00017%; no homozygotes.

Submissions (2):

Revvity Omics, Revvity
Classification: Uncertain significance for Angelman syndrome. Last evaluated: 2023-08-22. Review status: criteria provided, single submitter. Criteria: ACMG Guidelines, 2015. Collection method: clinical testing. Allele origin: germline.

Labcorp Genetics (formerly Invitae), Labcorp
Classification: Uncertain significance for Angelman syndrome. Last evaluated: 2020-12-10. Review status: criteria provided, single submitter. Criteria: Invitae Variant Classification Sherloc (09022015). Collection method: clinical testing. Allele origin: germline.
Comment: This sequence change replaces arginine with histidine at codon 128 of the UBE3A protein (p.Arg128His). The arginine residue is highly conserved and there is a small physicochemical difference between arginine and histidine. This variant is not present in population databases (ExAC no frequency). This variant has not been reported in the literature in individuals with UBE3A-related conditions. Algorithms developed to predict the effect of missense changes on protein structure and function are either unavailable or do not agree on the potential impact of this missense change (SIFT: "Not Available"; PolyPhen-2: "Benign"; Align-GVGD: "Not Available"). In summary, the available evidence is currently insufficient to determine the role of this variant in disease. Therefore, it has been classified as a Variant of Uncertain Significance.

NM_130839.5(UBE3A):c.443G>A (p.Arg148His)

Genes: SNHG14 (small nucleolar RNA host gene 14; plus strand), UBE3A (ubiquitin protein ligase E3A; minus strand). Cytogenetic location: 15q11.2.
Variant type: single nucleotide variant.
Coding change: c.443G>A on transcript NM_130839.5 (MANE Select); coding-DNA position 443, G replaced by A.
Protein change: p.Arg148His; replaces arginine 148 with histidine.
Molecular consequence: missense variant. On other transcripts: non-coding transcript variant (1), intron variant (2).
Genome position (GRCh38, 1-based): chr15:25,371,731, C>T on the plus strand (G>A on the coding strand, the complement: UBE3A is on the minus strand). VCF-style: chr15-25371731-C-T. GRCh37 (hg19) VCF-style: chr15-25616878-C-T.
Other names: c.383G>A (NM_130838.1); c.452G>A, p.Arg151His (NM_000462.5); c.443G>A, p.Arg148His (NM_001354505.1, NM_001354538.2, NM_001354545.2); c.383G>A, p.Arg128His (NM_001354506.2, NM_001354507.2, NM_001354508.2 and 17 more transcripts); c.301+3734G>A (NM_001354551.2); c.361+3734G>A (NM_001354550.2); c.266G>A, p.Arg89His (NM_001354546.2); short protein forms R148H, R151H, R89H, R128H.
Identifiers: ClinVar variation 1355185 (VCV001355185.9), dbSNP rs2080315079, ClinGen allele CA391355844.
Genomic context (GRCh38, chr15:25,371,731, plus strand): 5'-TTAACTTTCCGGAAGCTCTGTACCAATGCCTCAGCACTAGAAAAAACTCTTCCAATAACA[C>T]GGATTAAAGGGGAATAATCCTCTCTTTCTCTACATAATTCAAGAATTTCATATACCTTCT-3'
Protein context (NP_570854.1, residues 138-158): REREDYSPLI[Arg148His]VIGRVFSSAE